The following is an entry in ClinVar:

NM_000390.4(CHM):c.1399G>A (p.Asp467Asn)

Gene: CHM (CHM Rab escort protein; minus strand). Cytogenetic location: Xq21.2.
Variant type: single nucleotide variant.
Coding change: c.1399G>A on transcript NM_000390.4 (MANE Select); coding-DNA position 1399, G replaced by A.
Protein change: p.Asp467Asn; replaces aspartic acid 467 with asparagine.
Molecular consequence: missense variant.
Genome position (GRCh38, 1-based): chrX:85,900,660, C>T on the plus strand (G>A on the coding strand, the complement: CHM is on the minus strand). VCF-style: chrX-85900660-C-T. GRCh37 (hg19) VCF-style: chrX-85155665-C-T.
Other names: c.955G>A, p.Asp319Asn (NM_001320959.1, NM_001362517.1, NM_001362518.2 and 1 more transcripts); short protein forms D467N, D319N.
Identifiers: ClinVar variation 1521714 (VCV001521714.6), dbSNP rs2148153456, ClinGen allele CA413789269.

ClinVar aggregate classification (germline): Uncertain significance (1 of 4 stars; one submission).

Submission:

Labcorp Genetics (formerly Invitae), Labcorp
Classification: Uncertain significance. Last evaluated: 2021-09-27. Review status: criteria provided, single submitter. Criteria: Invitae Variant Classification Sherloc (09022015). Collection method: clinical testing. Allele origin: germline.
Comment: In summary, the available evidence is currently insufficient to determine the role of this variant in disease. Therefore, it has been classified as a Variant of Uncertain Significance. Algorithms developed to predict the effect of missense changes on protein structure and function output the following: SIFT: "Tolerated"; PolyPhen-2: "Benign"; Align-GVGD: "Class C0". The asparagine amino acid residue is found in multiple mammalian species, which suggests that this missense change does not adversely affect protein function. This variant has not been reported in the literature in individuals affected with CHM-related conditions. This variant is not present in population databases (ExAC no frequency). This sequence change replaces aspartic acid with asparagine at codon 467 of the CHM protein (p.Asp467Asn). The aspartic acid residue is weakly conserved and there is a small physicochemical difference between aspartic acid and asparagine.